The following is an entry in ClinVar:

ClinVar aggregate classification (germline): Conflicting classifications of pathogenicity. Review status: criteria provided, conflicting classifications (1 of 4 stars). 17 submissions from 16 submitters: Pathogenic (4); Uncertain significance (5); Benign (2); Likely benign (3). 3 of the submissions do not count toward it. Last evaluated 2026-02-03.

Conditions:
MFSD8-related disorders.
MFSD8-related disorder. Also called: MFSD8-related condition.
Retinal dystrophy. Also called: Inherited retinal dystrophy. Identifiers: Orphanet 71862, MedGen C0854723, MeSH D058499, MONDO:0019118, HP:0000556.
Late-infantile neuronal ceroid lipofuscinosis. Also called: Jansky-Bielschowsky disease. Identifiers: MedGen C0022340, MONDO:0015674.
Inborn genetic diseases. Identifiers: MedGen C0950123, MeSH D030342.
Optic atrophy. Identifiers: MedGen C0029124, MONDO:0003608, HP:0000648.
Neuronal ceroid lipofuscinosis 7 (CLN7). Also called: MFSD8-Related Neuronal Ceroid-Lipofuscinosis. Identifiers: Orphanet 168491, Orphanet 228366, MedGen C1838571, MONDO:0012588, OMIM 610951.
Macular dystrophy with central cone involvement (CCMD). Identifiers: MedGen C4015371, MONDO:0014515, OMIM 616170.
Retinal disorder. Also called: Retinopathy; Retinal disorders; Retinopathies; Retinal Diseases. Identifiers: MedGen C0035309, MONDO:0005283, HP:0000488.

Allele frequency attached by ClinVar (database versions not stated): 1000 Genomes Project 0.00040; 1000 Genomes Project 30x 0.00047; TOPMed 0.00160; ESP Exome Variant Server 0.00192; ExAC 0.00248; gnomAD 0.00299.
gnomAD v4.1: 4,058 of 1,613,718 alleles (0.25%); highest among the groups gnomAD compares: Non-Finnish European, 0.27%; 13 homozygotes.

Submissions (17):

Labcorp Genetics (formerly Invitae), Labcorp
Classification: Benign for Neuronal ceroid lipofuscinosis 7. Last evaluated: 2026-02-03. Review status: criteria provided, single submitter. Criteria: Invitae Variant Classification Sherloc (09022015). Collection method: clinical testing. Allele origin: germline.

Genetics Laboratory, Great Ormond Street Hospital NHS Foundation Trust, North Thames Genomic Laboratory Hub
Classification: Pathogenic for Retinal disorders. Last evaluated: 2025-08-20. Review status: criteria provided, single submitter. Criteria: ACGS Best Practice Guidelines for Variant Classification in Rare Disease 2024 v1.2. Collection method: clinical testing. Allele origin: germline. Affected: yes.
Comment: PP1_strong, PM3_very-strong

Women's Health and Genetics/Laboratory Corporation of America, LabCorp
Classification: Likely benign. Last evaluated: 2025-07-21. Review status: criteria provided, single submitter. Criteria: LabCorp Variant Classification Summary - May 2015. Collection method: clinical testing. Allele origin: germline.
Comment: Variant summary: MFSD8 c.1006G>C (p.Glu336Gln) results in a conservative amino acid change located in the Major facilitator superfamily domain (IPR020846) of the encoded protein sequence. Algorithms developed to predict the effect of missense changes on protein structure and function are either unavailable or do not agree on the potential impact of this missense change. The variant allele was found at a frequency of 0.0024 in 250906 control chromosomes, predominantly at a frequency of 0.003 within the Non-Finnish European subpopulation in the gnomAD database, including 2 homozygotes. The observed variant frequency within Non-Finnish European control individuals in the gnomAD database is approximately 3 fold of the estimated maximal expected allele frequency for a pathogenic variant in MFSD8 causing Neuronal Ceroid-Lipofuscinosis (Batten Disease) phenotype (0.00094). c.1006G>C has been reported in the literature as a biallelic genotype in individuals affected with macular dystrophy (e.g. Roosing_2015). These individuals show no signs of neurological involvement, and patients were diagnosed with macular dystrophy at an advanced age compared to those with Neuronal ceroid lipofuscinosis 7 (27-57 years at age of diagnosis as compared to 2-7 years of age for NCL). Therefore, these reports do not provide unequivocal conclusions about association of the variant with Neuronal Ceroid-Lipofuscinosis (Batten Disease). To our knowledge, no experimental evidence demonstrating an impact on protein function has been reported. The following publication have been ascertained in the context of this evaluation (PMID: 25227500). ClinVar contains an entry for this variant (Variation ID: 162378). Based on the evidence outlined above, the variant was classified as likely benign.

Blueprint Genetics
Classification: Pathogenic for MFSD8-related disorders. Last evaluated: 2024-11-21. Review status: criteria provided, single submitter. Criteria: ACMG Guidelines, 2015. Collection method: clinical testing. Allele origin: germline. Affected: yes. Observed: 5 variant alleles.

CeGaT Center for Human Genetics Tuebingen
Classification: Likely benign. Last evaluated: 2023-08-01. Review status: criteria provided, single submitter. Criteria: CeGaT Center For Human Genetics Tuebingen Variant Classification Criteria Version 2. Collection method: clinical testing. Allele origin: germline. Affected: yes. Observed: 6 variant alleles.
Comment: MFSD8: BS1

Institute of Human Genetics, Univ. Regensburg, Univ. Regensburg
Classification: Pathogenic for Optic atrophy. Last evaluated: 2023-01-01. Review status: criteria provided, single submitter. Criteria: ACMG Guidelines, 2015. Collection method: clinical testing. Allele origin: germline. Affected: yes.

Institute of Human Genetics, Univ. Regensburg, Univ. Regensburg
Classification: Pathogenic for Retinal dystrophy. Last evaluated: 2023-01-01. Review status: criteria provided, single submitter. Criteria: ACMG Guidelines, 2015. Collection method: clinical testing. Allele origin: germline. Affected: yes.

Revvity Omics, Revvity
Classification: Uncertain significance. Last evaluated: 2022-06-03. Review status: criteria provided, single submitter. Criteria: ACMG Guidelines, 2015. Collection method: clinical testing. Allele origin: germline.

Department of Pathology and Laboratory Medicine, Sinai Health System
Classification: Uncertain significance for Neuronal ceroid lipofuscinosis 7; Macular dystrophy with central cone involvement. Last evaluated: 2022-05-10. Review status: criteria provided, single submitter. Criteria: ACMG Guidelines, 2015. Collection method: research. Allele origin: germline.

GeneDx
Classification: Benign. Last evaluated: 2022-03-08. Review status: criteria provided, single submitter. Criteria: GeneDx Variant Classification Process June 2021. Collection method: clinical testing. Allele origin: germline. Affected: yes.
Comment: Identified in multiple unrelated individuals with nonsyndromic macular dystrophy or cone dystrophy who also had a pathogenic MFSD8 variant, suggesting E336Q may cause hypomorphic macular dystrophy when in trans with a pathogenic variant (Roosing et al., 2015; Khan et al., 2017; Haer-Wigman et al., 2017); Published functional studies suggest a damaging effect on CLN7 chloride channel characteristics (Wang et al., 2021); This variant is associated with the following publications: (PMID: 27527004, 26681805, 25227500, 27654426, 30215852, 28559085, 28224992, 28586915, 34426522, 30382371, 33546218, 34910516)

Ambry Genetics
Classification: Uncertain significance for Inborn genetic diseases. Last evaluated: 2020-08-10. Review status: criteria provided, single submitter. Criteria: Ambry Variant Classification Scheme 2023. Collection method: clinical testing. Allele origin: germline.
Comment: The p.E336Q variant (also known as c.1006G>C), located in coding exon 10 of the MFSD8 gene, results from a G to C substitution at nucleotide position 1006. The glutamic acid at codon 336 is replaced by glutamine, an amino acid with highly similar properties.This alteration has been detected in individuals with maculopathies and cone disorders and is characterized as a hypomorphic variant that only causes cone dysfunction when it is present in combination with a severe MFSD8 variant (Roosing S, Ophthalmology 2015 Jan; 122(1):170-9; Khan KN et al. Invest. Ophthalmol. Vis. Sci., 2017 Jun;58:2906-2914; Haer-Wigman L et al. Eur. J. Hum. Genet., 2017 05;25:591-599). This amino acid position is well conserved in available vertebrate species. In addition, the in silico prediction for this alteration is inconclusive. Since supporting evidence is limited at this time, the clinical significance of this alteration remains unclear.

PreventionGenetics, part of Exact Sciences
Classification: Likely benign for MFSD8-related condition. Last evaluated: 2019-10-01. Review status: criteria provided, single submitter. Criteria: ACMG Guidelines, 2015. Collection method: clinical testing. Allele origin: germline.
Comment: This variant is classified as likely benign based on ACMG/AMP sequence variant interpretation guidelines (Richards et al. 2015 PMID: 25741868, with internal and published modifications).

Eurofins Ntd Llc (ga)
Classification: Uncertain significance. Last evaluated: 2018-03-30. Review status: criteria provided, single submitter. Criteria: EGL ClinVar v180209 classification definitions. Collection method: clinical testing. Allele origin: germline. Observed: 2 variant alleles, 2 heterozygotes.

Illumina Laboratory Services, Illumina
Classification: Uncertain significance for Neuronal ceroid lipofuscinosis 7. Last evaluated: 2017-04-27. Review status: criteria provided, single submitter. Criteria: ICSL Variant Classification Criteria 13 December 2019. Collection method: clinical testing. Allele origin: germline.
Comment: This variant was observed as part of a predisposition screen in an ostensibly healthy population. A literature search was performed for the gene, cDNA change, and amino acid change (where applicable). Publications were found based on this search. However, the evidence from the literature, in combination with allele frequency data from public databases where available, was not sufficient to rule this variant in or out of causing disease. Therefore, this variant is classified as a variant of unknown significance.

Natera, Inc.
Classification: Benign for Late-infantile neuronal ceroid lipofuscinosis. Last evaluated: 2019-12-31. Review status: no assertion criteria provided. Collection method: clinical testing. Allele origin: germline. Not counted in ClinVar's aggregate classification.

Institute of Medical Molecular Genetics, University of Zurich
Classification: Likely pathogenic for Macular dystrophy with central cone involvement. Last evaluated: 2021-01-30. Review status: flagged submission. Criteria: ACMG Guidelines, 2015. Collection method: clinical testing. Allele origin: unknown. Affected: yes. Not counted in ClinVar's aggregate classification.
ClinVar note: Reason: Outlier claim with insufficient supporting evidence

OMIM
Classification: Pathogenic for MACULAR DYSTROPHY WITH CENTRAL CONE INVOLVEMENT. Last evaluated: 2015-01-01. Review status: flagged submission. Collection method: literature only. Allele origin: germline. Not counted in ClinVar's aggregate classification.
ClinVar note: Reason: Outlier claim with insufficient supporting evidence

Literature cited by the submitters: PubMed 25227500 (cited by 5 submitters); PubMed 28586915 (cited by Institute of Human Genetics, Univ. Regensburg, Univ. Regensburg and Ambry Genetics); PubMed 28559085 (cited by Institute of Human Genetics, Univ. Regensburg, Univ. Regensburg); PubMed 30215852 (cited by Institute of Human Genetics, Univ. Regensburg, Univ. Regensburg); PubMed 30382371 (cited by Institute of Human Genetics, Univ. Regensburg, Univ. Regensburg); PubMed 34426522 (cited by Institute of Human Genetics, Univ. Regensburg, Univ. Regensburg); PubMed 28224992 (cited by Ambry Genetics); PubMed 26681805 (cited by Illumina Laboratory Services, Illumina).

NM_001371596.2(MFSD8):c.1006G>C (p.Glu336Gln)

Gene: MFSD8 (major facilitator superfamily domain containing 8; minus strand). Cytogenetic location: 4q28.2.
Variant type: single nucleotide variant.
Coding change: c.1006G>C on transcript NM_001371596.2 (MANE Select); coding-DNA position 1006, G replaced by C.
Protein change: p.Glu336Gln; replaces glutamic acid 336 with glutamine.
Molecular consequence: missense variant.
Genome position (GRCh38, 1-based): chr4:127,921,956, C>G on the plus strand (G>C on the coding strand, the complement: MFSD8 is on the minus strand). VCF-style: chr4-127921956-C-G. GRCh37 (hg19) VCF-style: chr4-128843111-C-G.
Other names: MFSD8, GLU336GLN (rs150418024); p.E336Q:GAG>CAG; c.805G>C, p.Glu269Gln (NM_001363520.3); c.691G>C, p.Glu231Gln (NM_001363521.3); c.871G>C, p.Glu291Gln (NM_001371590.2); c.1006G>C, p.Glu336Gln (NM_001371591.2, NM_152778.4); c.1012G>C, p.Glu338Gln (NM_001371592.2); c.892G>C, p.Glu298Gln (NM_001371593.2); and 3 more; short protein forms E336Q, E269Q, E231Q, E242Q, E287Q, E291Q, E298Q, E338Q.
Identifiers: ClinVar variation 162378 (VCV000162378.77), dbSNP rs150418024, ClinGen allele CA175005.
Genomic context (GRCh38, chr4:127,921,956, plus strand): 5'-GTAACAAGATAAAGAAGCCAACCCATACAACGATGAGTCCTCCCAGTAGAATAGCACGCT[C>G]GCCAATCCTGTTAAAGAACAGAAACTCTGTAATTTTAAAATGAAACATTATAACATAGCT-3'
Protein context (NP_001358525.1, residues 326-346): GVKLLSKKIG[Glu336Gln]RAILLGGLIV